The following is an entry in ClinVar:

NM_020937.4(FANCM):c.4001A>G (p.Lys1334Arg)

Gene: FANCM (FA complementation group M; plus strand). Cytogenetic location: 14q21.2.
Variant type: single nucleotide variant.
Coding change: c.4001A>G on transcript NM_020937.4 (MANE Select); coding-DNA position 4001, A replaced by G.
Protein change: p.Lys1334Arg; replaces lysine 1334 with arginine.
Molecular consequence: missense variant.
Genome position (GRCh38, 1-based): chr14:45,176,755, A>G. VCF-style: chr14-45176755-A-G. GRCh37 (hg19) VCF-style: chr14-45645958-A-G.
Other names: c.3923A>G, p.Lys1308Arg (NM_001308133.2); short protein forms K1308R, K1334R.
Identifiers: ClinVar variation 3365378 (VCV003365378.2).

ClinVar aggregate classification (germline): Uncertain significance. Review status: criteria provided, multiple submitters, no conflicts (2 of 4 stars). 2 submissions from 2 submitters: Uncertain significance (2). Last evaluated 2025-08-05.

Conditions:
Inborn genetic diseases. Identifiers: MedGen C0950123, MeSH D030342.

Submissions (2):

Ambry Genetics
Classification: Uncertain significance for Inborn genetic diseases. Last evaluated: 2025-08-05. Review status: criteria provided, single submitter. Criteria: Ambry Variant Classification Scheme 2023. Collection method: clinical testing. Allele origin: germline.
Comment: The p.K1334R variant (also known as c.4001A>G), located in coding exon 14 of the FANCM gene, results from an A to G substitution at nucleotide position 4001. The lysine at codon 1334 is replaced by arginine, an amino acid with highly similar properties. This amino acid position is conserved. In addition, this alteration is predicted to be tolerated by in silico analysis. Based on the available evidence, the clinical significance of this variant remains unclear.

GeneDx
Classification: Uncertain significance. Last evaluated: 2023-12-05. Review status: criteria provided, single submitter. Criteria: GeneDx Variant Classification Process June 2021. Collection method: clinical testing. Allele origin: germline. Affected: yes.
Comment: Not observed at significant frequency in large population cohorts (gnomAD); In silico analysis supports that this missense variant does not alter protein structure/function; Has not been previously published as pathogenic or benign to our knowledge